The following is an entry in ClinVar:

ClinVar aggregate classification (germline): Likely pathogenic. Review status: criteria provided, multiple submitters, no conflicts (2 of 4 stars). 2 submissions from 2 submitters: Likely pathogenic (2). Last evaluated 2024-05-20.

Conditions:
Retinoblastoma (RB1). Also called: RETINOBLASTOMA, SOMATIC. Identifiers: Orphanet 790, MedGen C0035335, MeSH D012175, MONDO:0008380, OMIM 180200, HP:0009919. Disease mechanism: loss of function. Inheritance: Both sporadic and heritable forms are tested..

Submissions (2):

Genetic Diagnostic Laboratory, University of Pennsylvania School of Medicine
Classification: Likely pathogenic for Retinoblastoma. Last evaluated: 2024-05-20. Review status: criteria provided, single submitter. Criteria: ACMG Guidelines, 2015. Collection method: clinical testing. Allele origin: germline. Affected: yes. Observed: 2 variant alleles.
Comment: Case and Pedigree Information: BILATERAL CASES:2, UNILATERAL CASES:0, TOTAL CASES:2, PEDIGREES:2. ACMG Codes Applied:PS3, PM2, PP3

Department of Pathology and Laboratory Medicine, Sinai Health System
Classification: Likely pathogenic for retinoblastoma. Review status: criteria provided, single submitter. Criteria: ACMG Guidelines, 2015. Collection method: clinical testing. Allele origin: germline.

NM_000321.3(RB1):c.2490-28T>C

Gene: RB1 (RB transcriptional corepressor 1; plus strand). Cytogenetic location: 13q14.2.
Variant type: single nucleotide variant.
Coding change: c.2490-28T>C on transcript NM_000321.3 (MANE Select); 28 bases into the intron before coding-DNA position 2490, T replaced by C.
Molecular consequence: intron variant.
Genome position (GRCh38, 1-based): chr13:48,473,332, T>C. VCF-style: chr13-48473332-T-C. GRCh37 (hg19) VCF-style: chr13-49047468-T-C.
Other names: c.2490-28T>C (NM_001407165.1).
Identifiers: ClinVar variation 3237102 (VCV003237102.2), dbSNP rs2138354487.